The following is an entry in ClinVar:

ClinVar aggregate classification (germline): Pathogenic. Review status: criteria provided, multiple submitters, no conflicts (2 of 4 stars). 4 submissions from 4 submitters: Pathogenic (4). Last evaluated 2025-03-08.

Conditions:
Hereditary cancer-predisposing syndrome. Also called: Hereditary neoplastic syndrome; Neoplastic Syndromes, Hereditary; Tumor predisposition; Hereditary Cancer Syndrome. Identifiers: Orphanet 140162, MedGen C0027672, MeSH D009386, MONDO:0015356.
Fanconi anemia complementation group J. Also called: BRIP1-Related Fanconi Anemia. Identifiers: Orphanet 84, MedGen C1836860, MONDO:0012187, OMIM 609054.
Familial cancer of breast. Also called: BREAST CANCER, FAMILIAL; hereditary breast carcinoma; Hereditary breast cancer. Identifiers: Orphanet 227535, MedGen C0346153, MONDO:0016419, OMIM 114480. Disease mechanism: loss of function.

Submissions (4):

Ambry Genetics
Classification: Pathogenic for Hereditary cancer-predisposing syndrome. Last evaluated: 2025-03-08. Review status: criteria provided, single submitter. Criteria: Ambry Variant Classification Scheme 2023. Collection method: clinical testing. Allele origin: germline.
Comment: The c.200_201dupTT pathogenic mutation, located in coding exon 2 of the BRIP1 gene, results from a duplication of TT at nucleotide position 200, causing a translational frameshift with a predicted alternate stop codon (p.S68Lfs*10). This variant is considered to be rare based on population cohorts in the Genome Aggregation Database (gnomAD). This alteration is expected to result in loss of function by premature protein truncation or nonsense-mediated mRNA decay. As such, this alteration is interpreted as a disease-causing mutation.

Labcorp Genetics (formerly Invitae), Labcorp
Classification: Pathogenic for Familial cancer of breast; Fanconi anemia complementation group J. Last evaluated: 2024-05-16. Review status: criteria provided, single submitter. Criteria: Invitae Variant Classification Sherloc (09022015). Collection method: clinical testing. Allele origin: germline.
Comment: This sequence change creates a premature translational stop signal (p.Ser68Leufs*10) in the BRIP1 gene. It is expected to result in an absent or disrupted protein product. Loss-of-function variants in BRIP1 are known to be pathogenic (PMID: 16116423, 17033622, 21964575). This variant is not present in population databases (gnomAD no frequency). This variant has not been reported in the literature in individuals affected with BRIP1-related conditions. ClinVar contains an entry for this variant (Variation ID: 461040). For these reasons, this variant has been classified as Pathogenic.

Myriad Genetics, Inc.
Classification: Pathogenic for Familial cancer of breast. Last evaluated: 2023-05-30. Review status: criteria provided, single submitter. Criteria: Myriad Autosomal Dominant, Autosomal Recessive and X-Linked Classification Criteria (2023). Collection method: clinical testing. Allele origin: unknown.
Comment: This variant is considered pathogenic. This variant creates a frameshift predicted to result in premature protein truncation.

Color Diagnostics, LLC DBA Color Health
Classification: Pathogenic for Hereditary cancer-predisposing syndrome. Last evaluated: 2021-09-14. Review status: criteria provided, single submitter. Criteria: ACMG Guidelines, 2015. Collection method: clinical testing. Allele origin: germline.
Comment: This variant inserts 2 nucleotides in exon 3 of the BRIP1 gene, creating a frameshift and premature translation stop signal. This variant is expected to result in an absent or non-functional protein product. To our knowledge, this variant has not been reported in individuals affected with hereditary cancer in the literature. This variant has not been identified in the general population by the Genome Aggregation Database (gnomAD). Loss of BRIP1 function is a known mechanism of disease. Based on the available evidence, this variant is classified as Pathogenic.

Literature cited by the submitters: PubMed 16116423 (cited by Labcorp Genetics (formerly Invitae), Labcorp); PubMed 17033622 (cited by Labcorp Genetics (formerly Invitae), Labcorp); PubMed 21964575 (cited by Labcorp Genetics (formerly Invitae), Labcorp).

NM_032043.3(BRIP1):c.200_201dup (p.Ser68fs)

Gene: BRIP1 (BRCA1 interacting DNA helicase 1; minus strand). Cytogenetic location: 17q23.2.
Variant type: Duplication.
Coding change: c.200_201dup on transcript NM_032043.3 (MANE Select); coding-DNA positions 200 to 201, 2 bases duplicated (TT; older notation c.200_201dupTT).
Protein change: p.Ser68fs; shifts the reading frame from serine 68.
Molecular consequence: frameshift variant.
Genome position (GRCh38, 1-based): chr17:61,859,800-61,859,801, AA duplicated on the plus strand (TT on the coding strand, the reverse complement: BRIP1 is on the minus strand). VCF-style (leftmost placement, unchanged base first): chr17-61859799-T-TAA. GRCh37 (hg19) VCF-style: chr17-59937160-T-TAA.
Other names: c.200_201dupTT (NM_032043.2); short protein forms S68fs.
Identifiers: ClinVar variation 461040 (VCV000461040.19), dbSNP rs1555618374, ClinGen allele CA658658692.